The following is an entry in ClinVar:

NM_014481.4(APEX2):c.1119A>G (p.Gln373=)

Gene: APEX2 (apurinic/apyrimidinic endodeoxyribonuclease 2; plus strand). Cytogenetic location: Xp11.21.
Variant type: single nucleotide variant.
Coding change: c.1119A>G on transcript NM_014481.4 (MANE Select); coding-DNA position 1119, A replaced by G.
Protein change: p.Gln373=; no amino-acid change (glutamine 373 retained).
Molecular consequence: synonymous variant.
Genome position (GRCh38, 1-based): chrX:55,006,997, A>G. VCF-style: chrX-55006997-A-G. GRCh37 (hg19) VCF-style: chrX-55033430-A-G.
Other names: c.606A>G, p.Gln202= (NM_001271748.2).
Identifiers: ClinVar variation 681052 (VCV000681052.1), dbSNP rs1252392426, ClinGen allele CA516694849.

ClinVar aggregate classification (germline): Likely benign (1 of 4 stars; one submission).

Allele frequency attached by ClinVar (database versions not stated): gnomAD exomes 0.00001; gnomAD 0.00002 and 0.00005.
gnomAD v4.1: 10 of 1,210,232 alleles (0.00083%); highest among the groups gnomAD compares: Non-Finnish European, 0.00089%; no homozygotes.

Submission:

GeneDx
Classification: Likely benign. Last evaluated: 2018-04-04. Review status: criteria provided, single submitter. Criteria: GeneDx Variant Classification (06012015). Collection method: clinical testing. Allele origin: germline. Affected: yes.
Comment: This variant is considered likely benign or benign based on one or more of the following criteria: it is a conservative change, it occurs at a poorly conserved position in the protein, it is predicted to be benign by multiple in silico algorithms, and/or has population frequency not consistent with disease.